The following is an entry in ClinVar:

NM_004336.5(BUB1):c.621-3T>C

Gene: BUB1 (BUB1 mitotic checkpoint serine/threonine kinase; minus strand). Cytogenetic location: 2q13.
Variant type: single nucleotide variant.
Coding change: c.621-3T>C on transcript NM_004336.5 (MANE Select); 3 bases into the intron before coding-DNA position 621, T replaced by C.
Molecular consequence: intron variant.
Genome position (GRCh38, 1-based): chr2:110,667,708, A>G on the plus strand (T>C on the coding strand, the complement: BUB1 is on the minus strand). VCF-style: chr2-110667708-A-G. GRCh37 (hg19) VCF-style: chr2-111425285-A-G.
Other names: c.561-3T>C (NM_001278616.2); c.621-3T>C (NM_001278617.2).
Identifiers: ClinVar variation 3631247 (VCV003631247.2).
Genomic context (GRCh38, chr2:110,667,708, plus strand): 5'-TGCCAAAGATGAGTGCACAGAATATTCTGATTTAGAAATCGTGATCACTCTTCGTTCCCT[A>G]CAATGGGGGAAAATACATTATTTACAACAATGTACCTAAGAGCACTTAAAGGAAACTAAT-3'

ClinVar aggregate classification (germline): Uncertain significance (1 of 4 stars; one submission).

gnomAD v4.1: 4 of 1,611,342 alleles (0.00025%); highest among the groups gnomAD compares: Non-Finnish European, 0.00034%; no homozygotes.

Submission:

Labcorp Genetics (formerly Invitae), Labcorp
Classification: Uncertain significance. Last evaluated: 2024-09-01. Review status: criteria provided, single submitter. Criteria: Invitae Variant Classification Sherloc (09022015). Collection method: clinical testing. Allele origin: germline.
Comment: This sequence change falls in intron 7 of the BUB1 gene. It does not directly change the encoded amino acid sequence of the BUB1 protein. It affects a nucleotide within the consensus splice site. This variant is not present in population databases (gnomAD no frequency). This variant has not been reported in the literature in individuals affected with BUB1-related conditions. Variants that disrupt the consensus splice site are a relatively common cause of aberrant splicing (PMID: 17576681, 9536098). Algorithms developed to predict the effect of sequence changes on RNA splicing suggest that this variant is not likely to affect RNA splicing. In summary, the available evidence is currently insufficient to determine the role of this variant in disease. Therefore, it has been classified as a Variant of Uncertain Significance.

Literature cited by the submitters: PubMed 17576681; PubMed 9536098.